The following is an entry in ClinVar:

NM_207421.4(PADI6):c.246C>T (p.Tyr82=)

Gene: PADI6 (peptidyl arginine deiminase 6; plus strand). Cytogenetic location: 1p36.13.
Variant type: single nucleotide variant.
Coding change: c.246C>T on transcript NM_207421.4 (MANE Select); coding-DNA position 246, C replaced by T.
Protein change: p.Tyr82=; no amino-acid change (tyrosine 82 retained).
Molecular consequence: synonymous variant.
Genome position (GRCh38, 1-based): chr1:17,373,185, C>T. VCF-style: chr1-17373185-C-T. GRCh37 (hg19) VCF-style: chr1-17699680-C-T.
Identifiers: ClinVar variation 3054182 (VCV003054182.2), dbSNP rs368261523, ClinGen allele CA641245.

ClinVar aggregate classification (germline): Likely benign (0 of 4 stars; one submission).

Conditions:
PADI6-related disorder. Also called: PADI6-related condition.

Allele frequency attached by ClinVar (database versions not stated): gnomAD 0.00002; gnomAD exomes 0.00003; TOPMed 0.00003; ExAC 0.00004; ESP Exome Variant Server 0.00008; 1000 Genomes Project 30x 0.00016.
gnomAD v4.1: 50 of 1,613,968 alleles (0.0031%); highest among the groups gnomAD compares: Non-Finnish European, 0.0035%; no homozygotes.

Submission:

PreventionGenetics, part of Exact Sciences
Classification: Likely benign for PADI6-related condition. Last evaluated: 2021-11-22. Review status: no assertion criteria provided. Collection method: clinical testing. Allele origin: germline.
Comment: This variant is classified as likely benign based on ACMG/AMP sequence variant interpretation guidelines (Richards et al. 2015 PMID: 25741868, with internal and published modifications).